The following is an entry in ClinVar:

NM_001034853.2(RPGR):c.467C>A (p.Thr156Asn)

Gene: RPGR (retinitis pigmentosa GTPase regulator; minus strand). Cytogenetic location: Xp11.4.
Variant type: single nucleotide variant.
Coding change: c.467C>A on transcript NM_001034853.2 (MANE Select); coding-DNA position 467, C replaced by A.
Protein change: p.Thr156Asn; replaces threonine 156 with asparagine.
Molecular consequence: missense variant. On other transcripts: non-coding transcript variant (6).
Genome position (GRCh38, 1-based): chrX:38,318,831, G>T on the plus strand (C>A on the coding strand, the complement: RPGR is on the minus strand). VCF-style: chrX-38318831-G-T. GRCh37 (hg19) VCF-style: chrX-38178084-G-T.
Other names: c.467C>A (NM_000328.2); c.467C>A, p.Thr156Asn (NM_000328.3, NM_001367245.1, NM_001367246.1 and 3 more transcripts); c.497C>A, p.Thr166Asn (NM_001367248.1); c.464C>A, p.Thr155Asn (NM_001367249.1); short protein forms T155N, T156N, T166N.
Identifiers: ClinVar variation 1483182 (VCV001483182.7), dbSNP rs751512713, ClinGen allele CA412744992.

ClinVar aggregate classification (germline): Uncertain significance. Review status: criteria provided, multiple submitters, no conflicts (2 of 4 stars). 2 submissions from 2 submitters: Uncertain significance (2). Last evaluated 2025-03-04.

Conditions:
Primary ciliary dyskinesia. Also called: Ciliary dyskinesia. Identifiers: Orphanet 244, MedGen C0008780, MONDO:0016575, HP:0012265.

gnomAD v4.1: 2 of 1,211,661 alleles (0.00017%); highest among the groups gnomAD compares: Admixed American, 0.0043%; no homozygotes.

Submissions (2):

Labcorp Genetics (formerly Invitae), Labcorp
Classification: Uncertain significance for Primary ciliary dyskinesia. Last evaluated: 2025-03-04. Review status: criteria provided, single submitter. Criteria: Invitae Variant Classification Sherloc (09022015). Collection method: clinical testing. Allele origin: germline.
Comment: This sequence change replaces threonine, which is neutral and polar, with asparagine, which is neutral and polar, at codon 156 of the RPGR protein (p.Thr156Asn). The frequency data for this variant in the population databases is considered unreliable, as metrics indicate poor data quality at this position in the gnomAD database. This variant has not been reported in the literature in individuals affected with RPGR-related conditions. ClinVar contains an entry for this variant (Variation ID: 1483182). An algorithm developed to predict the effect of missense changes on protein structure and function (PolyPhen-2) suggests that this variant is likely to be disruptive. In summary, the available evidence is currently insufficient to determine the role of this variant in disease. Therefore, it has been classified as a Variant of Uncertain Significance.

Ambry Genetics
Classification: Uncertain significance for Primary ciliary dyskinesia. Last evaluated: 2024-09-02. Review status: criteria provided, single submitter. Criteria: Ambry Variant Classification Scheme 2023. Collection method: clinical testing. Allele origin: germline.